The following is an entry in ClinVar:

ClinVar aggregate classification (germline): Uncertain significance (1 of 4 stars; one submission).

Conditions:
Familial adenomatous polyposis 1 (FAP1). Also called: FAMILIAL ADENOMATOUS POLYPOSIS 1, ATTENUATED; POLYPOSIS, ADENOMATOUS INTESTINAL. Identifiers: MedGen C2713442, MONDO:0021056, OMIM 175100. Disease mechanism: loss of function.

Submission:

Labcorp Genetics (formerly Invitae), Labcorp
Classification: Uncertain significance for Familial adenomatous polyposis 1. Last evaluated: 2016-01-19. Review status: criteria provided, single submitter. Criteria: Invitae Variant Classification Sherloc (09022015). Collection method: clinical testing. Allele origin: germline.
Comment: This sequence change replaces aspartic acid with asparagine at codon 434 of the APC protein (p.Asp434Asn). The aspartic acid residue is highly conserved and there is a small physicochemical difference between aspartic acid and asparagine. This variant is not present in population databases (ExAC no frequency) and has not been reported in the literature in individuals with a APC-related disease. Algorithms developed to predict the effect of missense changes on protein structure and function do not agree on the potential impact of this missense change (SIFT: "Deleterious"; PolyPhen-2: "Benign"; Align-GVGD: "Class C0"). In summary, this is a novel missense change with uncertain impact on protein function. It has been classified as a Variant of Uncertain Significance.

NM_000038.6(APC):c.1300G>A (p.Asp434Asn)

Gene: APC (APC regulator of Wnt signaling pathway; plus strand). Cytogenetic location: 5q22.2.
Variant type: single nucleotide variant.
Coding change: c.1300G>A on transcript NM_000038.6 (MANE Select); coding-DNA position 1300, G replaced by A.
Protein change: p.Asp434Asn; replaces aspartic acid 434 with asparagine.
Molecular consequence: missense variant.
Genome position (GRCh38, 1-based): chr5:112,819,332, G>A. VCF-style: chr5-112819332-G-A. GRCh37 (hg19) VCF-style: chr5-112155029-G-A.
Other names: c.1300G>A, p.Asp434Asn (NM_001127510.3, NM_001354895.2, NM_001354896.2); c.1246G>A, p.Asp416Asn (NM_001127511.3); c.1330G>A, p.Asp444Asn (NM_001354897.2); c.1225G>A, p.Asp409Asn (NM_001354898.2); c.1216G>A, p.Asp406Asn (NM_001354899.2); c.1123G>A, p.Asp375Asn (NM_001354900.2, NM_001354901.2); c.1027G>A, p.Asp343Asn (NM_001354902.2); c.997G>A, p.Asp333Asn (NM_001354903.2); and 3 more; short protein forms D416N, D434N, D409N, D444N, D406N, D274N, D333N, D375N.
Identifiers: ClinVar variation 236558 (VCV000236558.9), dbSNP rs769365014, ClinGen allele CA10582287.